The following is an entry in ClinVar:

NM_000368.5(TSC1):c.378C>T (p.Val126=)

Gene: TSC1 (TSC complex subunit 1; minus strand). Cytogenetic location: 9q34.13.
Variant type: single nucleotide variant.
Coding change: c.378C>T on transcript NM_000368.5 (MANE Select); coding-DNA position 378, C replaced by T.
Protein change: p.Val126=; no amino-acid change (valine 126 retained).
Molecular consequence: synonymous variant.
Genome position (GRCh38, 1-based): chr9:132,923,478, G>A on the plus strand (C>T on the coding strand, the complement: TSC1 is on the minus strand). VCF-style: chr9-132923478-G-A. GRCh37 (hg19) VCF-style: chr9-135798865-G-A.
Other names: c.378C>T, p.Val126= (NM_001162426.2); c.225C>T, p.Val75= (NM_001162427.2); c.15C>T, p.Val5= (NM_001362177.2).
Identifiers: ClinVar variation 416676 (VCV000416676.62), dbSNP rs373173550, ClinGen allele CA037402.

ClinVar aggregate classification (germline): Benign/Likely benign. Review status: criteria provided, multiple submitters, no conflicts (2 of 4 stars). 8 submissions from 8 submitters: Benign (5); Likely benign (3). Last evaluated 2026-02-03.

Conditions:
Hereditary cancer-predisposing syndrome. Also called: Tumor predisposition; Hereditary neoplastic syndrome; Hereditary Cancer Syndrome; Neoplastic Syndromes, Hereditary. Identifiers: Orphanet 140162, MedGen C0027672, MeSH D009386, MONDO:0015356.
Tuberous sclerosis syndrome (TSC). Also called: Tuberous Sclerosis Complex; Tuberous sclerosis. Identifiers: Orphanet 805, MedGen C0041341, MONDO:0001734.
Tuberous sclerosis 1 (TSC1). Identifiers: Orphanet 805, MedGen C1854465, MONDO:0008612, OMIM 191100.

Allele frequency attached by ClinVar (database versions not stated): gnomAD 0.00001; TOPMed 0.00001; ExAC 0.00002; gnomAD exomes 0.00002; ESP Exome Variant Server 0.00015.
gnomAD v4.1: 26 of 1,614,012 alleles (0.0016%); highest among the groups gnomAD compares: African/African-American, 0.0067%; no homozygotes.

Submissions (8):

Labcorp Genetics (formerly Invitae), Labcorp
Classification: Benign for Tuberous sclerosis 1. Last evaluated: 2026-02-03. Review status: criteria provided, single submitter. Criteria: Invitae Variant Classification Sherloc (09022015). Collection method: clinical testing. Allele origin: germline.

Myriad Genetics, Inc.
Classification: Benign for Tuberous sclerosis 1. Last evaluated: 2025-04-08. Review status: criteria provided, single submitter. Criteria: Myriad Autosomal Dominant, Autosomal Recessive and X-Linked Classification Criteria (2023). Collection method: clinical testing. Allele origin: unknown.
Comment: This variant is considered benign. This variant is a silent/synonymous amino acid change and it is not expected to impact splicing.

CeGaT Center for Human Genetics Tuebingen
Classification: Likely benign. Last evaluated: 2025-01-01. Review status: criteria provided, single submitter. Criteria: CeGaT Center For Human Genetics Tuebingen Variant Classification Criteria Version 2. Collection method: clinical testing. Allele origin: germline. Affected: yes. Observed: 2 variant alleles.
Comment: TSC1: BP4, BP7

All of Us Research Program, National Institutes of Health
Classification: Benign for Tuberous sclerosis syndrome. Last evaluated: 2023-12-13. Review status: criteria provided, single submitter. Criteria: ACMG Guidelines, 2015. Collection method: clinical testing. Allele origin: germline. Inheritance: Autosomal dominant inheritance. Observed: 8 variant alleles, 8 heterozygotes.
Comment: This study involves interpretation of variants in research participants for the purpose of population health screening. Participant phenotype was not available at the time of variant classification. Additional details can be found in publication PMID: 35346344, PMCID: PMC8962531

Color Diagnostics, LLC DBA Color Health
Classification: Benign for Tuberous sclerosis syndrome. Last evaluated: 2022-05-17. Review status: criteria provided, single submitter. Criteria: ACMG Guidelines, 2015. Collection method: clinical testing. Allele origin: germline.

Genome-Nilou Lab
Classification: Benign for Tuberous sclerosis 1. Last evaluated: 2021-11-07. Review status: criteria provided, single submitter. Criteria: ACMG Guidelines, 2015. Collection method: clinical testing. Allele origin: germline. Affected: no.

GeneDx
Classification: Likely benign. Last evaluated: 2020-07-13. Review status: criteria provided, single submitter. Criteria: GeneDx Variant Classification Process June 2021. Collection method: clinical testing. Allele origin: germline. Affected: yes.

Ambry Genetics
Classification: Likely benign for Hereditary cancer-predisposing syndrome. Last evaluated: 2019-01-14. Review status: criteria provided, single submitter. Criteria: Ambry Variant Classification Scheme 2023. Collection method: clinical testing. Allele origin: germline.